The following is an entry in ClinVar:

NM_001127222.2(CACNA1A):c.6703C>G (p.His2235Asp)

Gene: CACNA1A (calcium voltage-gated channel subunit alpha1 A; minus strand). Cytogenetic location: 19p13.13.
Variant type: single nucleotide variant.
Coding change: c.6703C>G on transcript NM_001127222.2 (MANE Select); coding-DNA position 6703, C replaced by G.
Protein change: p.His2235Asp; replaces histidine 2235 with aspartic acid.
Molecular consequence: missense variant.
Genome position (GRCh38, 1-based): chr19:13,208,833, G>C on the plus strand (C>G on the coding strand, the complement: CACNA1A is on the minus strand). VCF-style: chr19-13208833-G-C. GRCh37 (hg19) VCF-style: chr19-13319647-G-C.
Other names: c.6721C>G, p.His2241Asp (NM_000068.4, NM_023035.3); c.6706C>G, p.His2236Asp (NM_001127221.2); c.6712C>G, p.His2238Asp (NM_001174080.2); short protein forms H2236D, H2235D, H2241D, H2238D.
Identifiers: ClinVar variation 2938096 (VCV002938096.3), dbSNP rs903913051, ClinGen allele CA305547418.

ClinVar aggregate classification (germline): Uncertain significance (1 of 4 stars; one submission).

Conditions:
Episodic ataxia type 2 (EA2). Also called: CEREBELLAR ATAXIA, PAROXYSMAL, ACETAZOLAMIDE-RESPONSIVE; CEREBELLOPATHY, HEREDITARY PAROXYSMAL; EPISODIC ATAXIA, NYSTAGMUS-ASSOCIATED; ACETAZOLAMIDE-RESPONSIVE HEREDITARY PAROXYSMAL CEREBELLAR ATAXIA; ATAXIA, EPISODIC, WITH NYSTAGMUS; ATAXIA, FAMILIAL PAROXYSMAL. Identifiers: Orphanet 97, MedGen C1720416, MONDO:0007163, OMIM 108500.
Developmental and epileptic encephalopathy, 42 (DEE42A). Also called: Epileptic encephalopathy, early infantile, 42; DEVELOPMENTAL AND EPILEPTIC ENCEPHALOPATHY 42A; EPILEPTIC ENCEPHALOPATHY, EARLY INFANTILE, 42A. Identifiers: MedGen C4310716, MONDO:0014917, OMIM 617106.

Allele frequency attached by ClinVar (database versions not stated): TOPMed below 0.00001.

Submission:

Labcorp Genetics (formerly Invitae), Labcorp
Classification: Uncertain significance for Developmental and epileptic encephalopathy, 42; Episodic ataxia type 2. Last evaluated: 2023-11-27. Review status: criteria provided, single submitter. Criteria: Invitae Variant Classification Sherloc (09022015). Collection method: clinical testing. Allele origin: germline.
Comment: This sequence change replaces histidine, which is basic and polar, with aspartic acid, which is acidic and polar, at codon 2236 of the CACNA1A protein (p.His2236Asp). This variant is not present in population databases (gnomAD no frequency). This variant has not been reported in the literature in individuals affected with CACNA1A-related conditions. Advanced modeling of protein sequence and biophysical properties (such as structural, functional, and spatial information, amino acid conservation, physicochemical variation, residue mobility, and thermodynamic stability) performed at Invitae indicates that this missense variant is not expected to disrupt CACNA1A protein function with a negative predictive value of 95%. In summary, the available evidence is currently insufficient to determine the role of this variant in disease. Therefore, it has been classified as a Variant of Uncertain Significance.